The following is an entry in ClinVar:

ClinVar aggregate classification (germline): Uncertain significance (1 of 4 stars; one submission).

Submission:

GeneDx
Classification: Uncertain significance. Last evaluated: 2020-06-26. Review status: criteria provided, single submitter. Criteria: GeneDx Variant Classification Process June 2021. Collection method: clinical testing. Allele origin: germline. Affected: yes.
Comment: Has not been previously published as pathogenic or benign to our knowledge; Not observed in large population cohorts (Lek et al., 2016); In-frame deletion of two correct amino acids and and insertion of one incorrect amino acid in a non-repeat region; In silico analysis supports that this variant does not alter protein structure/function

NM_018834.6(MATR3):c.2048_2050del (p.Asn683_Leu684delinsIle)

Genes: MATR3 (matrin 3; plus strand), LOC126807526 (CDK7 strongly-dependent group 2 enhancer GRCh37_chr5:138657767-138658966; plus strand). Cytogenetic location: 5q31.2.
Variant type: Deletion.
Coding change: c.2048_2050del on transcript NM_018834.6 (MANE Select); coding-DNA positions 2048 to 2050, 3 bases deleted (ATT; older notation c.2048_2050delATT).
Protein change: p.Asn683_Leu684delinsIle.
Molecular consequence: inframe indel.
Genome position (GRCh38, 1-based): chr5:139,322,867-139,322,869, ATT deleted. VCF-style (leftmost placement, unchanged base first): chr5-139322866-AATT-A. GRCh37 (hg19) VCF-style: chr5-138658555-AATT-A.
Other names: c.2048_2050del, p.Asn683_Leu684delinsIle (NM_001194954.2, NM_001194955.2, NM_199189.3); c.1184_1186del, p.Asn395_Leu396delinsIle (NM_001194956.2); c.1034_1036del, p.Asn345_Leu346delinsIle (NM_001282278.2).
Identifiers: ClinVar variation 1312850 (VCV001312850.2), dbSNP rs2152010711, ClinGen allele CA2573052435.
Genomic context (GRCh38, chr5:139,322,866, plus strand): 5'-GAAGAAGCAGCAGCACTGCTAGAAAGTGGCAGTTCAGTGGGAGACGAGACCGATCTTGCT[AATT>A]TAGGTGATGTGGCTTCTGATGGGAAAAAGGAACCATCAGATAAAGCTGTGAAAAAAGATG-3'